The following is an entry in ClinVar:

ClinVar aggregate classification (germline): Likely benign. Review status: criteria provided, multiple submitters, no conflicts (2 of 4 stars). 5 submissions from 5 submitters: Likely benign (4). 1 of the submissions does not count toward it. Last evaluated 2024-11-18.

Conditions:
GTF2IRD1-related disorder. Also called: GTF2IRD1-related condition.

Allele frequency attached by ClinVar (database versions not stated): 1000 Genomes Project 0.00060; 1000 Genomes Project 30x 0.00078; ExAC 0.00134; gnomAD exomes 0.00137 and 0.00253; gnomAD 0.00150 and 0.00154; TOPMed 0.00152; ESP Exome Variant Server 0.00231.
gnomAD v4.1: 3,909 of 1,613,662 alleles (0.24%); highest among the groups gnomAD compares: Non-Finnish European, 0.31%; 8 homozygotes.

Submissions (5):

Blueprint Genetics
Classification: Likely benign. Last evaluated: 2024-11-18. Review status: criteria provided, single submitter. Criteria: ACMG Guidelines, 2015. Collection method: clinical testing. Allele origin: germline.

Women's Health and Genetics/Laboratory Corporation of America, LabCorp
Classification: Likely benign. Last evaluated: 2023-12-11. Review status: criteria provided, single submitter. Criteria: LabCorp Variant Classification Summary - May 2015. Collection method: clinical testing. Allele origin: germline.
Comment: Variant summary: GTF2IRD1 c.2095A>G (p.Ile699Val) results in a conservative amino acid change in the encoded protein sequence. Three of five in-silico tools predict a damaging effect of the variant on protein function. The variant allele was found at a frequency of 0.0024 in 1613662 control chromosomes, predominantly at a frequency of 0.0031 within the Non-Finnish European subpopulation in the gnomAD database, including 8 homozygotes, suggesting a benign role for the variant. To our knowledge, no occurrence of c.2095A>G in individuals affected with GTF2IRD1-Related Disorders and no experimental evidence demonstrating its impact on protein function have been reported. One submitter has cited clinical-significance assessments for this variant to ClinVar after 2014 and has classified the variant as likely benign. Based on the evidence outlined above, the variant was classified as likely benign.

Labcorp Genetics (formerly Invitae), Labcorp
Classification: Likely benign. Last evaluated: 2019-12-31. Review status: criteria provided, single submitter. Criteria: Invitae Variant Classification Sherloc (09022015). Collection method: clinical testing. Allele origin: germline.

Breakthrough Genomics
Classification: Likely benign. Review status: criteria provided, single submitter. Criteria: ACMG Guidelines, 2015. Collection method: not provided. Allele origin: germline. Inheritance: Unknown mechanism. Affected: yes.

PreventionGenetics, part of Exact Sciences
Classification: Likely benign for GTF2IRD1-related condition. Last evaluated: 2022-10-18. Review status: no assertion criteria provided. Collection method: clinical testing. Allele origin: germline. Not counted in ClinVar's aggregate classification.
Comment: This variant is classified as likely benign based on ACMG/AMP sequence variant interpretation guidelines (Richards et al. 2015 PMID: 25741868, with internal and published modifications).

NM_005685.4(GTF2IRD1):c.2050A>G (p.Ile684Val)

Gene: GTF2IRD1 (GTF2I repeat domain containing 1; plus strand). Cytogenetic location: 7q11.23.
Variant type: single nucleotide variant.
Coding change: c.2050A>G on transcript NM_005685.4 (MANE Select); coding-DNA position 2050, A replaced by G.
Protein change: p.Ile684Val; replaces isoleucine 684 with valine.
Molecular consequence: missense variant.
Genome position (GRCh38, 1-based): chr7:74,557,665, A>G. VCF-style: chr7-74557665-A-G. GRCh37 (hg19) VCF-style: chr7-73971995-A-G.
Other names: c.2146A>G, p.Ile716Val (NM_001199207.2); c.2095A>G, p.Ile699Val (NM_016328.3); c.2146A>G (NM_001199207.1); short protein forms I699V, I716V, I684V.
Identifiers: ClinVar variation 721277 (VCV000721277.9), dbSNP rs149209759, ClinGen allele CA4297155.